The following is an entry in ClinVar:

ClinVar aggregate classification (germline): Uncertain significance (1 of 4 stars; one submission).

Allele frequency attached by ClinVar (database versions not stated): TOPMed 0.00001; ExAC 0.00002; gnomAD 0.00002; gnomAD exomes 0.00002; ESP Exome Variant Server 0.00008.
gnomAD v4.1: 25 of 1,610,786 alleles (0.0016%); highest among the groups gnomAD compares: Admixed American, 0.005%; no homozygotes.

Submission:

Labcorp Genetics (formerly Invitae), Labcorp
Classification: Uncertain significance. Last evaluated: 2024-02-16. Review status: criteria provided, single submitter. Criteria: Invitae Variant Classification Sherloc (09022015). Collection method: clinical testing. Allele origin: germline.
Comment: This sequence change falls in intron 19 of the TMPRSS15 gene. It does not directly change the encoded amino acid sequence of the TMPRSS15 protein. It affects a nucleotide within the consensus splice site. This variant is present in population databases (rs370016626, gnomAD 0.004%). This variant has not been reported in the literature in individuals affected with TMPRSS15-related conditions. ClinVar contains an entry for this variant (Variation ID: 1971516). Variants that disrupt the consensus splice site are a relatively common cause of aberrant splicing (PMID: 17576681, 9536098). Algorithms developed to predict the effect of sequence changes on RNA splicing suggest that this variant is not likely to affect RNA splicing. In summary, the available evidence is currently insufficient to determine the role of this variant in disease. Therefore, it has been classified as a Variant of Uncertain Significance.

Literature cited by the submitters: PubMed 17576681; PubMed 9536098.

NM_002772.3(TMPRSS15):c.2261+3G>A

Gene: TMPRSS15 (transmembrane serine protease 15; minus strand). Cytogenetic location: 21q21.1.
Variant type: single nucleotide variant.
Coding change: c.2261+3G>A on transcript NM_002772.3 (MANE Select); 3 bases into the intron after coding-DNA position 2261, G replaced by A.
Molecular consequence: intron variant.
Genome position (GRCh38, 1-based): chr21:18,297,731, C>T on the plus strand (G>A on the coding strand, the complement: TMPRSS15 is on the minus strand). VCF-style: chr21-18297731-C-T. GRCh37 (hg19) VCF-style: chr21-19670048-C-T.
Identifiers: ClinVar variation 1971516 (VCV001971516.4), dbSNP rs370016626, ClinGen allele CA9984148.